The following is an entry in ClinVar:

NC_000011.10:g.(?_108267161)_(108272862_?)del

Genes: ATM (ATM serine/threonine kinase; plus strand), LOC128772356 (melanoma risk locus-associated MPRA allelic enhancer 11:108140516; plus strand). Cytogenetic location: 11q22.3.
Variant type: Deletion.
Identifiers: ClinVar variation 653509 (VCV000653509.7).

ClinVar aggregate classification (germline): Pathogenic (1 of 4 stars; one submission).

Conditions:
Ataxia-telangiectasia syndrome (AT). Also called: ATAXIA-TELANGIECTASIA, FRESNO VARIANT; Ataxia-telangiectasia, complementation group D; Cerebello-oculocutaneous telangiectasia; Immunodeficiency with ataxia telangiectasia; Ataxia-telangiectasia; Ataxia telangiectasia (A-T). Identifiers: Orphanet 100, MedGen C0004135, MONDO:0008840, OMIM 208900.

Submission:

Labcorp Genetics (formerly Invitae), Labcorp
Classification: Pathogenic for Ataxia-telangiectasia syndrome. Last evaluated: 2019-01-24. Review status: criteria provided, single submitter. Criteria: Invitae Variant Classification Sherloc (09022015). Collection method: clinical testing. Allele origin: germline.
Comment: For these reasons, this variant has been classified as Pathogenic. Loss-of-function variants in ATM are known to be pathogenic (PMID: 23807571, 25614872). This variant has not been reported in the literature in individuals with ATM-related conditions. This variant is an out-of-frame deletion of the genomic region encompassing exons 17-22 of the ATM gene. This is expected to create a premature translational stop signal and result in an absent or disrupted protein product.

Literature cited by the submitters: PubMed 23807571; PubMed 25614872.